The following is an entry in ClinVar:

ClinVar aggregate classification (germline): Pathogenic (1 of 4 stars; one submission).

Submission:

Labcorp Genetics (formerly Invitae), Labcorp
Classification: Pathogenic. Last evaluated: 2024-04-29. Review status: criteria provided, single submitter. Criteria: Invitae Variant Classification Sherloc (09022015). Collection method: clinical testing. Allele origin: germline.
Comment: This sequence change creates a premature translational stop signal (p.Asp585Trpfs*9) in the COL11A1 gene. It is expected to result in an absent or disrupted protein product. Loss-of-function variants in COL11A1 are known to be pathogenic (PMID: 20513134, 21035103, 23922384, 25240749, 32427345, 32756486). This variant is not present in population databases (gnomAD no frequency). This variant has not been reported in the literature in individuals affected with COL11A1-related conditions. For these reasons, this variant has been classified as Pathogenic.

Literature cited by the submitters: PubMed 20513134; PubMed 21035103; PubMed 23922384; PubMed 25240749; PubMed 32427345; PubMed 32756486.

NM_001854.4(COL11A1):c.1752_1780del (p.Asp585fs)

Gene: COL11A1 (collagen type XI alpha 1 chain; minus strand). Cytogenetic location: 1p21.1.
Variant type: Deletion.
Coding change: c.1752_1780del on transcript NM_001854.4 (MANE Select); coding-DNA positions 1752 to 1780, 29 bases deleted (AGATGGAGGAAGAGGAATGCCAGGAGAAC).
Protein change: p.Asp585fs; shifts the reading frame from aspartic acid 585.
Molecular consequence: frameshift variant. On other transcripts: non-coding transcript variant (1).
Genome position (GRCh38, 1-based): chr1:103,006,079-103,006,107, GTTCTCCTGGCATTCCTCTTCCTCCATCT deleted on the plus strand (AGATGGAGGAAGAGGAATGCCAGGAGAAC on the coding strand, the reverse complement: COL11A1 is on the minus strand); deleting any 29 consecutive bases within chr1:103,006,079-103,006,108 gives the same sequence; the c. name uses the placement nearest the transcript's 3' end. VCF-style (leftmost placement, unchanged base first): chr1-103006078-GGTTCTCCTGGCATTCCTCTTCCTCCATCT-G. GRCh37 (hg19) VCF-style: chr1-103471634-GGTTCTCCTGGCATTCCTCTTCCTCCATCT-G.
Other names: c.1635_1663del, p.Asp546fs (NM_001190709.2); c.1788_1816del, p.Asp597fs (NM_080629.3); c.1404_1432del, p.Asp469fs (NM_080630.4); short protein forms D546fs, D585fs, D597fs, D469fs.
Identifiers: ClinVar variation 3648795 (VCV003648795.2).